The following is an entry in ClinVar:

ClinVar aggregate classification (germline): Likely pathogenic (1 of 4 stars; one submission).

Conditions:
Spinocerebellar ataxia, autosomal recessive 22 (SCAR22). Identifiers: MedGen C4310781, MONDO:0014845, OMIM 616948.

Submission:

First Genomix Gene Laboratory, Genetic Diagnostics Department
Classification: Likely pathogenic for Spinocerebellar ataxia, autosomal recessive 22. Last evaluated: 2025-09-19. Review status: criteria provided, single submitter. Criteria: ACMG Guidelines, 2015. Collection method: clinical testing. Allele origin: germline. Inheritance: Autosomal recessive inheritance. Affected: no. Observed: 1 variant allele.

NM_144992.5(VWA3B):c.1908C>G (p.Tyr636Ter)

Gene: VWA3B (von Willebrand factor A domain containing 3B; plus strand). Cytogenetic location: 2q11.2.
Variant type: single nucleotide variant.
Coding change: c.1908C>G on transcript NM_144992.5 (MANE Select); coding-DNA position 1908, C replaced by G.
Protein change: p.Tyr636Ter; replaces tyrosine 636 with a stop codon.
Molecular consequence: nonsense. On other transcripts: non-coding transcript variant (3).
Genome position (GRCh38, 1-based): chr2:98,217,917, C>G. VCF-style: chr2-98217917-C-G. GRCh37 (hg19) VCF-style: chr2-98834380-C-G.
Other names: c.879C>G, p.Tyr293Ter (NM_001345864.2); short protein forms Y293*, Y636*.
Identifiers: ClinVar variation 4850415 (VCV004850415.1).